The following is an entry in ClinVar:

NM_001375883.1(GPR161):c.406C>T (p.Pro136Ser)

Gene: GPR161 (G protein-coupled receptor 161; minus strand). Cytogenetic location: 1q24.2.
Variant type: single nucleotide variant.
Coding change: c.406C>T on transcript NM_001375883.1 (MANE Select); coding-DNA position 406, C replaced by T.
Protein change: p.Pro136Ser; replaces proline 136 with serine.
Molecular consequence: missense variant.
Genome position (GRCh38, 1-based): chr1:168,097,201, G>A on the plus strand (C>T on the coding strand, the complement: GPR161 is on the minus strand). VCF-style: chr1-168097201-G-A. GRCh37 (hg19) VCF-style: chr1-168066439-G-A.
Other names: c.466C>T, p.Pro156Ser (NM_001267609.1); c.406C>T, p.Pro136Ser (NM_001267610.2, NM_001349632.1, NM_001349633.1 and 5 more transcripts); c.457C>T, p.Pro153Ser (NM_001267611.1); c.10C>T, p.Pro4Ser (NM_001267612.2, NM_001349635.1); c.172C>T, p.Pro58Ser (NM_001267613.1); c.64C>T, p.Pro22Ser (NM_001267614.1); short protein forms P136S, P153S, P156S, P22S, P4S, P58S.
Identifiers: ClinVar variation 4805398 (VCV004805398.1).
Genomic context (GRCh38, chr1:168,097,201, plus strand): 5'-GCGAGTGAAGCCAGATGTAGACAAGTGCCATCACAGCCCGGTTCCCTGTGATCTTCATGG[G>A]GTACACCATGGGGTACAGGACAGCATAGTAGCTAGAAAAGGGATGGAGGGAGGCAAGAGA-3'
Protein context (NP_001362812.1, residues 126-146): YYAVLYPMVY[Pro136Ser]MKITGNRAVM

ClinVar aggregate classification (germline): Uncertain significance (1 of 4 stars; one submission).

gnomAD v4.1: 4 of 1,613,154 alleles (0.00025%); highest among the groups gnomAD compares: Admixed American, 0.0017%; no homozygotes.

Submission:

Labcorp Genetics (formerly Invitae), Labcorp
Classification: Uncertain significance. Last evaluated: 2025-11-19. Review status: criteria provided, single submitter. Criteria: Invitae Variant Classification Sherloc (09022015). Collection method: clinical testing. Allele origin: germline.
Comment: This sequence change replaces proline, which is neutral and non-polar, with serine, which is neutral and polar, at codon 156 of the GPR161 protein (p.Pro156Ser). This variant is present in population databases (no rsID available, gnomAD 0.007%). This variant has not been reported in the literature in individuals affected with GPR161-related conditions. An algorithm developed to predict the effect of missense changes on protein structure and function (PolyPhen-2) suggests that this variant is likely to be disruptive. In summary, the available evidence is currently insufficient to determine the role of this variant in disease. Therefore, it has been classified as a Variant of Uncertain Significance.